The following is an entry in ClinVar:

NM_001377.3(DYNC2H1):c.11520A>T (p.Leu3840Phe)

Gene: DYNC2H1 (dynein cytoplasmic 2 heavy chain 1; plus strand). Cytogenetic location: 11q22.3.
Variant type: single nucleotide variant.
Coding change: c.11520A>T on transcript NM_001377.3 (MANE Select); coding-DNA position 11520, A replaced by T.
Protein change: p.Leu3840Phe; replaces leucine 3840 with phenylalanine.
Molecular consequence: missense variant.
Genome position (GRCh38, 1-based): chr11:103,311,904, A>T. VCF-style: chr11-103311904-A-T. GRCh37 (hg19) VCF-style: chr11-103182633-A-T.
Other names: c.11541A>T, p.Leu3847Phe (NM_001080463.2); short protein forms L3847F, L3840F.
Identifiers: ClinVar variation 2861803 (VCV002861803.3), dbSNP rs2496901860, ClinGen allele CA382263946.

ClinVar aggregate classification (germline): Uncertain significance (1 of 4 stars; one submission).

Conditions:
Jeune thoracic dystrophy. Also called: Jeune syndrome; Infantile thoracic dystrophy; Thoracic pelvic phalangeal dystrophy; Jeune's syndrome; Chondroectodermal dysplasia-like syndrome; Short-rib thoracic dysplasia. Identifiers: Orphanet 474, MedGen C0265275, MONDO:0018770.

Submission:

Labcorp Genetics (formerly Invitae), Labcorp
Classification: Uncertain significance for Jeune thoracic dystrophy. Last evaluated: 2025-01-06. Review status: criteria provided, single submitter. Criteria: Invitae Variant Classification Sherloc (09022015). Collection method: clinical testing. Allele origin: germline.
Comment: This sequence change replaces leucine, which is neutral and non-polar, with phenylalanine, which is neutral and non-polar, at codon 3847 of the DYNC2H1 protein (p.Leu3847Phe). This variant is not present in population databases (gnomAD no frequency). This variant has not been reported in the literature in individuals affected with DYNC2H1-related conditions. ClinVar contains an entry for this variant (Variation ID: 2861803). Invitae Evidence Modeling of protein sequence and biophysical properties (such as structural, functional, and spatial information, amino acid conservation, physicochemical variation, residue mobility, and thermodynamic stability) has been performed for this missense variant. However, the output from this modeling did not meet the statistical confidence thresholds required to predict the impact of this variant on DYNC2H1 protein function. In summary, the available evidence is currently insufficient to determine the role of this variant in disease. Therefore, it has been classified as a Variant of Uncertain Significance.